The following is an entry in ClinVar:

NM_002439.5(MSH3):c.2923G>A (p.Asp975Asn)

Gene: MSH3 (mutS homolog 3; plus strand). Cytogenetic location: 5q14.1.
Variant type: single nucleotide variant.
Coding change: c.2923G>A on transcript NM_002439.5 (MANE Select); coding-DNA position 2923, G replaced by A.
Protein change: p.Asp975Asn; replaces aspartic acid 975 with asparagine.
Molecular consequence: missense variant.
Genome position (GRCh38, 1-based): chr5:80,854,239, G>A. VCF-style: chr5-80854239-G-A. GRCh37 (hg19) VCF-style: chr5-80150058-G-A.
Other names: c.2923G>A (NM_002439.3); short protein forms D975N.
Identifiers: ClinVar variation 1057901 (VCV001057901.10), dbSNP rs375949196, ClinGen allele CA360275696.

ClinVar aggregate classification (germline): Uncertain significance. Review status: criteria provided, multiple submitters, no conflicts (2 of 4 stars). 2 submissions from 2 submitters: Uncertain significance (2). Last evaluated 2026-06-03.

Conditions:
Hereditary cancer-predisposing syndrome. Also called: Hereditary neoplastic syndrome; Neoplastic Syndromes, Hereditary; Tumor predisposition; Hereditary Cancer Syndrome. Identifiers: Orphanet 140162, MedGen C0027672, MeSH D009386, MONDO:0015356.

Submissions (2):

Ambry Genetics
Classification: Uncertain significance for Hereditary cancer-predisposing syndrome. Last evaluated: 2026-06-03. Review status: criteria provided, single submitter. Criteria: Ambry Variant Classification Scheme 2023. Collection method: clinical testing. Allele origin: germline.
Comment: The p.D975N variant (also known as c.2923G>A), located in coding exon 21 of the MSH3 gene, results from a G to A substitution at nucleotide position 2923. The aspartic acid at codon 975 is replaced by asparagine, an amino acid with highly similar properties. This amino acid position is highly conserved in available vertebrate species. In addition, this alteration is predicted to be deleterious by in silico analysis. Based on the available evidence, the clinical significance of this variant remains unclear.

Labcorp Genetics (formerly Invitae), Labcorp
Classification: Uncertain significance. Last evaluated: 2025-07-02. Review status: criteria provided, single submitter. Criteria: Invitae Variant Classification Sherloc (09022015). Collection method: clinical testing. Allele origin: germline.
Comment: This sequence change replaces aspartic acid, which is acidic and polar, with asparagine, which is neutral and polar, at codon 975 of the MSH3 protein (p.Asp975Asn). This variant is not present in population databases (gnomAD no frequency). This variant has not been reported in the literature in individuals affected with MSH3-related conditions. ClinVar contains an entry for this variant (Variation ID: 1057901). An algorithm developed to predict the effect of missense changes on protein structure and function (PolyPhen-2) suggests that this variant is likely to be disruptive. In summary, the available evidence is currently insufficient to determine the role of this variant in disease. Therefore, it has been classified as a Variant of Uncertain Significance.